The following is an entry in ClinVar:

ClinVar aggregate classification (germline): Uncertain significance (1 of 4 stars; one submission).

Conditions:
Sulfite oxidase deficiency due to molybdenum cofactor deficiency type C. Also called: Molybdenum cofactor deficiency, complementation group C; Molybdenum cofactor deficiency C. Identifiers: Orphanet 308400, Orphanet 833, MedGen C1854990, MONDO:0014212, OMIM 615501.

Allele frequency attached by ClinVar (database versions not stated): ExAC 0.00001.
gnomAD v4.1: 4 of 1,613,372 alleles (0.00025%); highest among the groups gnomAD compares: South Asian, 0.0044%; no homozygotes.

Submission:

Labcorp Genetics (formerly Invitae), Labcorp
Classification: Uncertain significance for Sulfite oxidase deficiency due to molybdenum cofactor deficiency type C. Last evaluated: 2022-06-07. Review status: criteria provided, single submitter. Criteria: Invitae Variant Classification Sherloc (09022015). Collection method: clinical testing. Allele origin: germline.
Comment: In summary, the available evidence is currently insufficient to determine the role of this variant in disease. Therefore, it has been classified as a Variant of Uncertain Significance. This sequence change replaces threonine, which is neutral and polar, with alanine, which is neutral and non-polar, at codon 433 of the GPHN protein (p.Thr433Ala). This variant is present in population databases (rs777470300, gnomAD 0.006%). This variant has not been reported in the literature in individuals affected with GPHN-related conditions. Algorithms developed to predict the effect of missense changes on protein structure and function (SIFT, PolyPhen-2, Align-GVGD) all suggest that this variant is likely to be tolerated. Algorithms developed to predict the effect of sequence changes on RNA splicing suggest that this variant may create or strengthen a splice site.

NM_020806.5(GPHN):c.1297A>G (p.Thr433Ala)

Gene: GPHN (gephyrin; plus strand). Cytogenetic location: 14q23.3.
Variant type: single nucleotide variant.
Coding change: c.1297A>G on transcript NM_020806.5 (MANE Select); coding-DNA position 1297, A replaced by G.
Protein change: p.Thr433Ala; replaces threonine 433 with alanine.
Molecular consequence: missense variant.
Genome position (GRCh38, 1-based): chr14:67,110,143, A>G. VCF-style: chr14-67110143-A-G. GRCh37 (hg19) VCF-style: chr14-67576860-A-G.
Other names: c.1198A>G, p.Thr400Ala (NM_001024218.2); c.1357A>G, p.Thr453Ala (NM_001377514.1); c.1327A>G, p.Thr443Ala (NM_001377515.1); c.1318A>G, p.Thr440Ala (NM_001377516.1); c.1270A>G, p.Thr424Ala (NM_001377517.1); c.1255A>G, p.Thr419Ala (NM_001377518.1); c.1237A>G, p.Thr413Ala (NM_001377519.1); short protein forms T400A, T419A, T424A, T433A, T453A, T440A, T413A, T443A.
Identifiers: ClinVar variation 2196281 (VCV002196281.4), dbSNP rs777470300, ClinGen allele CA7234057.